The following is an entry in ClinVar:

NM_000059.4(BRCA2):c.3410T>A (p.Leu1137Ter)

Gene: BRCA2 (BRCA2 DNA repair associated; plus strand). Cytogenetic location: 13q13.1.
Variant type: single nucleotide variant.
Coding change: c.3410T>A on transcript NM_000059.4 (MANE Select); coding-DNA position 3410, T replaced by A.
Protein change: p.Leu1137Ter; replaces leucine 1137 with a stop codon.
Molecular consequence: nonsense. On other transcripts: non-coding transcript variant (1), intron variant (2).
Genome position (GRCh38, 1-based): chr13:32,337,765, T>A. VCF-style: chr13-32337765-T-A. GRCh37 (hg19) VCF-style: chr13-32911902-T-A.
Other names: c.3410T>A, p.Leu1137Ter (NM_001406719.1, NM_001406720.1, NM_001432077.1); c.1909+4378T>A (NM_001406721.1); c.424+6735T>A (NM_001406722.1); short protein forms L1137*.
Identifiers: ClinVar variation 3992781 (VCV003992781.1).

ClinVar aggregate classification (germline): Pathogenic (1 of 4 stars; one submission).

Conditions:
Hereditary cancer-predisposing syndrome. Also called: Tumor predisposition; Hereditary neoplastic syndrome; Neoplastic Syndromes, Hereditary; Hereditary Cancer Syndrome. Identifiers: Orphanet 140162, MedGen C0027672, MeSH D009386, MONDO:0015356.

Submission:

Ambry Genetics
Classification: Pathogenic for Hereditary cancer-predisposing syndrome. Last evaluated: 2025-04-13. Review status: criteria provided, single submitter. Criteria: Ambry Variant Classification Scheme 2023. Collection method: clinical testing. Allele origin: germline.
Comment: The p.L1137* pathogenic mutation (also known as c.3410T>A), located in coding exon 10 of the BRCA2 gene, results from a T to A substitution at nucleotide position 3410. This changes the amino acid from a leucine to a stop codon within coding exon 10. This alteration is expected to result in loss of function by premature protein truncation or nonsense-mediated mRNA decay. As such, this alteration is interpreted as a disease-causing mutation.